The following is an entry in ClinVar:

NC_000005.9:g.(?_61657049)_(61681396_?)dup

Gene: KIF2A (kinesin family member 2A; plus strand). Cytogenetic location: 5q12.1.
Variant type: Duplication.
Identifiers: ClinVar variation 3246461 (VCV003246461.1).

ClinVar aggregate classification (germline): Uncertain significance (1 of 4 stars; one submission).

Submission:

Labcorp Genetics (formerly Invitae), Labcorp
Classification: Uncertain significance. Last evaluated: 2023-11-11. Review status: criteria provided, single submitter. Criteria: Invitae Variant Classification Sherloc (09022015). Collection method: clinical testing. Allele origin: unknown.
Comment: This variant results in a copy number gain of the genomic region encompassing exon(s) 10-21 of the KIF2A gene. This region includes the termination codon of the gene. This copy number gain extends beyond the assayed region for this gene and therefore may encompass additional genes. As the precise location of this event is unknown, it may be in tandem or it may be located elsewhere in the genome. This variant has not been reported in the literature in individuals affected with KIF2A-related conditions. In summary, the available evidence is currently insufficient to determine the role of this variant in disease. Therefore, it has been classified as a Variant of Uncertain Significance.